The following is an entry in ClinVar:

NM_020937.4(FANCM):c.2161-9A>T

Gene: FANCM (FA complementation group M; plus strand). Cytogenetic location: 14q21.2.
Variant type: single nucleotide variant.
Coding change: c.2161-9A>T on transcript NM_020937.4 (MANE Select); 9 bases into the intron before coding-DNA position 2161, A replaced by T.
Molecular consequence: intron variant.
Genome position (GRCh38, 1-based): chr14:45,173,046, A>T. VCF-style: chr14-45173046-A-T. GRCh37 (hg19) VCF-style: chr14-45642249-A-T.
Other names: c.2161-9A>T (NM_020937.3); c.2083-9A>T (NM_001308133.2).
Identifiers: ClinVar variation 1687672 (VCV001687672.9), dbSNP rs752101829, ClinGen allele CA7169276.
Genomic context (GRCh38, chr14:45,173,046, plus strand): 5'-GTTTTTTAAAATTAGTTTGTGAAATCTCAGTATGTTTTCATCATTTTTATTACTTTTTAA[A>T]TAATTAAGGCTCAAGAATCAACCACTGGAATTCATCAACTCTCTCTCTCTGAATGGAGAC-3'

ClinVar aggregate classification (germline): Conflicting classifications of pathogenicity. Review status: criteria provided, conflicting classifications (1 of 4 stars). 3 submissions from 3 submitters: Uncertain significance (2); Likely benign (1). Last evaluated 2023-10-24.

Conditions:
Fanconi anemia (FA). Also called: Fanconi's anemia. Identifiers: Orphanet 84, MedGen C0015625, MeSH D005199, MONDO:0019391.

Allele frequency attached by ClinVar (database versions not stated): gnomAD exomes 0.00001 and 0.00002; ExAC 0.00002.
gnomAD v4.1: 11 of 1,591,614 alleles (0.00069%); highest among the groups gnomAD compares: Non-Finnish European, 0.00095%; no homozygotes.

Submissions (3):

Quest Diagnostics Nichols Institute San Juan Capistrano
Classification: Uncertain significance. Last evaluated: 2023-10-24. Review status: criteria provided, single submitter. Criteria: Quest Diagnostics criteria. Collection method: clinical testing. Allele origin: unknown.
Comment: The FANCM c.2161-9A>T variant has not been reported in individuals with FANCM-related conditions in the published literature. The frequency of this variant in the general population, 0.000035 (4/113308 chromosomes (Genome Aggregation Database)), is uninformative in the assessment of its pathogenicity. Analysis of this variant using software algorithms for the prediction of the effect of nucleotide changes on splicing yielded predictions that this variant does not affect FANCM mRNA splicing. Based on the available information, we are unable to determine the clinical significance of this variant.

Labcorp Genetics (formerly Invitae), Labcorp
Classification: Likely benign for Fanconi anemia. Last evaluated: 2022-10-12. Review status: criteria provided, single submitter. Criteria: Invitae Variant Classification Sherloc (09022015). Collection method: clinical testing. Allele origin: germline.

GeneDx
Classification: Uncertain significance. Last evaluated: 2022-09-06. Review status: criteria provided, single submitter. Criteria: GeneDx Variant Classification Process June 2021. Collection method: clinical testing. Allele origin: germline. Affected: yes.
Comment: Not observed at significant frequency in large population cohorts (gnomAD); In silico analysis supports that this variant does not alter splicing; Has not been previously published as pathogenic or benign to our knowledge